The following is an entry in ClinVar:

NM_001165963.4(SCN1A):c.5003C>T (p.Pro1668Leu)

Genes: SCN1A (sodium voltage-gated channel alpha subunit 1; minus strand), LOC102724058 (uncharacterized LOC102724058; plus strand). Cytogenetic location: 2q24.3.
Variant type: single nucleotide variant.
Coding change: c.5003C>T on transcript NM_001165963.4 (MANE Select); coding-DNA position 5003, C replaced by T.
Protein change: p.Pro1668Leu; replaces proline 1668 with leucine.
Molecular consequence: missense variant. On other transcripts: non-coding transcript variant (1).
Genome position (GRCh38, 1-based): chr2:165,992,272, G>A on the plus strand (C>T on the coding strand, the complement: SCN1A is on the minus strand). VCF-style: chr2-165992272-G-A. GRCh37 (hg19) VCF-style: chr2-166848782-G-A.
Other names: c.4919C>T, p.Pro1640Leu (NM_001165964.3, NM_001353957.2, NM_001353958.2); c.5003C>T, p.Pro1668Leu (NM_001202435.3, NM_001353948.2); c.4970C>T, p.Pro1657Leu (NM_001353949.2, NM_001353950.2, NM_001353951.2 and 2 more transcripts); c.4967C>T, p.Pro1656Leu (NM_001353954.2, NM_001353955.2); c.4916C>T, p.Pro1639Leu (NM_001353960.2); c.2561C>T, p.Pro854Leu (NM_001353961.2); short protein forms P1639L, P1640L, P1656L, P1657L, P1668L, P854L.
Identifiers: ClinVar variation 2627530 (VCV002627530.1), dbSNP rs794726698, ClinGen allele CA349069765.
Genomic context (GRCh38, chr2:165,992,272, plus strand): 5'-CCAAAGATGGCGTAGATGAACATGACTAGGAAGAGTAGGAGGCCGATGTTAAACAACGCA[G>A]GAAGGGACATCATCAAAGCAAAGAGCAGCGTGCGGATCCCCTTTGCTCCTTTGATCAGAC-3'
Protein context (NP_001159435.1, residues 1658-1678): TLLFALMMSL[Pro1668Leu]ALFNIGLLLF

ClinVar aggregate classification (germline): Uncertain significance (1 of 4 stars; one submission).

Conditions:
Severe myoclonic epilepsy in infancy (DRVT). Also called: Dravet syndrome; SEVERE MYOCLONIC EPILEPSY OF INFANCY; Epileptic encephalopathy, early infantile, 6 (Dravet syndrome); DEVELOPMENTAL AND EPILEPTIC ENCEPHALOPATHY 6A; Severe Myoclonic Epilepsy in Infancy (SMEI). Identifiers: Orphanet 33069, MedGen C0751122, MONDO:0100135, OMIM 607208.

Submission:

Neuberg Centre For Genomic Medicine, NCGM
Classification: Uncertain significance for Severe myoclonic epilepsy in infancy. Review status: criteria provided, single submitter. Criteria: ACMG Guidelines, 2015. Collection method: clinical testing. Allele origin: germline. Inheritance: Autosomal dominant inheritance. Affected: yes.
Comment: The missense variant p.P1668L in SCN1A (NM_001165963.4) has not been reported previously as a pathogenic or a bening variant. Another change at the same amino acid residue has been previously established as a pathogenic variant (Huang W et al,2017). The p.P1668L variant is novel (not in any individuals) in gnomAD Exomes and is novel (not in any individuals) in 1000 Genomes. There is a moderate physicochemical difference between proline and leucine. The p.P1668L missense variant is predicted to be damaging by both SIFT and PolyPhen2. The proline residue at codon 1668 of SCN1A is conserved in all mammalian species. The nucleotide c.5003 in SCN1A is predicted conserved by GERP++ and PhyloP across 100 vertebrates. For these reasons, this variant has been classified as Uncertain Significance.